The following is an entry in ClinVar:

NM_000350.3(ABCA4):c.746A>G (p.Asp249Gly)

Gene: ABCA4 (ATP binding cassette subfamily A member 4; minus strand). Cytogenetic location: 1p22.1.
Variant type: single nucleotide variant.
Coding change: c.746A>G on transcript NM_000350.3 (MANE Select); coding-DNA position 746, A replaced by G.
Protein change: p.Asp249Gly; replaces aspartic acid 249 with glycine.
Molecular consequence: missense variant.
Genome position (GRCh38, 1-based): chr1:94,098,816, T>C on the plus strand (A>G on the coding strand, the complement: ABCA4 is on the minus strand). VCF-style: chr1-94098816-T-C. GRCh37 (hg19) VCF-style: chr1-94564372-T-C.
Other names: c.746A>G, p.Asp249Gly (NM_001425324.1); short protein forms D249G.
Identifiers: ClinVar variation 99503 (VCV000099503.48), dbSNP rs62646865, ClinGen allele CA227455.

ClinVar aggregate classification (germline): Conflicting classifications of pathogenicity. Review status: criteria provided, conflicting classifications (1 of 4 stars). 5 submissions from 5 submitters: Pathogenic (1); Likely pathogenic (1); Uncertain significance (2). 1 of the submissions does not count toward it. Last evaluated 2024-12-02.

Conditions:
Retinal dystrophy. Also called: Inherited retinal dystrophy. Identifiers: Orphanet 71862, MedGen C0854723, MeSH D058499, MONDO:0019118, HP:0000556.

Allele frequency attached by ClinVar (database versions not stated): gnomAD exomes below 0.00001; TOPMed below 0.00001.
gnomAD v4.1: 2 of 1,614,074 alleles (0.00012%); highest among the groups gnomAD compares: Non-Finnish European, 0.00017%; no homozygotes.

Submissions (5):

Labcorp Genetics (formerly Invitae), Labcorp
Classification: Pathogenic. Last evaluated: 2024-12-02. Review status: criteria provided, single submitter. Criteria: Invitae Variant Classification Sherloc (09022015). Collection method: clinical testing. Allele origin: germline.
Comment: This sequence change replaces aspartic acid, which is acidic and polar, with glycine, which is neutral and non-polar, at codon 249 of the ABCA4 protein (p.Asp249Gly). This variant is not present in population databases (gnomAD no frequency). This missense change has been observed in individual(s) with clinical features of ABCA4-related conditions (PMID: 9973280, 28559085, 32531858; internal data). In at least one individual the data is consistent with being in trans (on the opposite chromosome) from a pathogenic variant. ClinVar contains an entry for this variant (Variation ID: 99503). Invitae Evidence Modeling of protein sequence and biophysical properties (such as structural, functional, and spatial information, amino acid conservation, physicochemical variation, residue mobility, and thermodynamic stability) indicates that this missense variant is expected to disrupt ABCA4 protein function with a positive predictive value of 95%. For these reasons, this variant has been classified as Pathogenic.

Blueprint Genetics
Classification: Uncertain significance. Last evaluated: 2024-01-02. Review status: criteria provided, single submitter. Criteria: ACMG Guidelines, 2015. Collection method: clinical testing. Allele origin: germline.

CeGaT Center for Human Genetics Tuebingen
Classification: Uncertain significance. Last evaluated: 2020-07-01. Review status: criteria provided, single submitter. Criteria: CeGaT Center For Human Genetics Tuebingen Variant Classification Criteria Version 2. Collection method: clinical testing. Allele origin: germline. Affected: yes. Observed: 1 variant allele.

Institute of Human Genetics, Univ. Regensburg, Univ. Regensburg
Classification: Likely pathogenic for Retinal dystrophy. Last evaluated: 2018-01-01. Review status: criteria provided, single submitter. Criteria: ACMG Guidelines, 2015. Collection method: clinical testing. Allele origin: germline. Affected: yes.

Retina International
No classification provided. Review status: no classification provided. Collection method: not provided. Allele origin: not provided. Not counted in ClinVar's aggregate classification.

Literature cited by the submitters: PubMed 9973280 (cited by Labcorp Genetics (formerly Invitae), Labcorp and Institute of Human Genetics, Univ. Regensburg, Univ. Regensburg); PubMed 28559085 (cited by Labcorp Genetics (formerly Invitae), Labcorp and Institute of Human Genetics, Univ. Regensburg, Univ. Regensburg); PubMed 32531858 (cited by Labcorp Genetics (formerly Invitae), Labcorp and Institute of Human Genetics, Univ. Regensburg, Univ. Regensburg).